The following is an entry in ClinVar:

NM_003060.4(SLC22A5):c.1234A>C (p.Ser412Arg)

Gene: SLC22A5 (solute carrier family 22 member 5; plus strand). Cytogenetic location: 5q31.1.
Variant type: single nucleotide variant.
Coding change: c.1234A>C on transcript NM_003060.4 (MANE Select); coding-DNA position 1234, A replaced by C.
Protein change: p.Ser412Arg; replaces serine 412 with arginine.
Molecular consequence: missense variant.
Genome position (GRCh38, 1-based): chr5:132,390,871, A>C. VCF-style: chr5-132390871-A-C. GRCh37 (hg19) VCF-style: chr5-131726563-A-C.
Other names: c.1306A>C, p.Ser436Arg (NM_001308122.2); short protein forms S412R, S436R.
Identifiers: ClinVar variation 373347 (VCV000373347.18), dbSNP rs1057518364, ClinGen allele CA16042512.
Genomic context (GRCh38, chr5:132,390,871, plus strand): 5'-CTGCTGCTGCAATATTTGCCCCGGCGCTATTCCATGGCCACTGCCCTCTTCCTGGGTGGC[A>C]GTGTCCTTCTCTTCATGCAGCTGGTACCCCCAGGTAGGGACCATGTGCATCTATGGTTTG-3'
Protein context (NP_003051.1, residues 402-422): SMATALFLGG[Ser412Arg]VLLFMQLVPP

ClinVar aggregate classification (germline): Uncertain significance. Review status: criteria provided, multiple submitters, no conflicts (2 of 4 stars). 4 submissions from 4 submitters: Uncertain significance (4). Last evaluated 2025-01-21.

Conditions:
Renal carnitine transport defect (CDSP). Also called: Primary carnitine deficiency; Systemic primary carnitine deficiency; Systemic primary carnitine deficiency disease; CARNITINE DEFICIENCY, SYSTEMIC, DUE TO DEFECT IN RENAL REABSORPTION OF CARNITINE; CARNITINE TRANSPORTER, PLASMA-MEMBRANE, DEFICIENCY OF; CARNITINE UPTAKE DEFECT. Identifiers: Orphanet 158, MedGen C0342788, MONDO:0008919, OMIM 212140.

Allele frequency attached by ClinVar (database versions not stated): TOPMed below 0.00001; gnomAD exomes 0.00001.
gnomAD v4.1: 17 of 1,614,204 alleles (0.0011%); highest among the groups gnomAD compares: Non-Finnish European, 0.0014%; no homozygotes.

Submissions (4):

Labcorp Genetics (formerly Invitae), Labcorp
Classification: Uncertain significance for Renal carnitine transport defect. Last evaluated: 2025-01-21. Review status: criteria provided, single submitter. Criteria: Invitae Variant Classification Sherloc (09022015). Collection method: clinical testing. Allele origin: germline.
Comment: This sequence change replaces serine, which is neutral and polar, with arginine, which is basic and polar, at codon 412 of the SLC22A5 protein (p.Ser412Arg). This variant is not present in population databases (gnomAD no frequency). This variant has not been reported in the literature in individuals affected with SLC22A5-related conditions. ClinVar contains an entry for this variant (Variation ID: 373347). Invitae Evidence Modeling of protein sequence and biophysical properties (such as structural, functional, and spatial information, amino acid conservation, physicochemical variation, residue mobility, and thermodynamic stability) indicates that this missense variant is expected to disrupt SLC22A5 protein function with a positive predictive value of 95%. In summary, the available evidence is currently insufficient to determine the role of this variant in disease. Therefore, it has been classified as a Variant of Uncertain Significance.

Genome-Nilou Lab
Classification: Uncertain significance for Renal carnitine transport defect. Last evaluated: 2021-07-15. Review status: criteria provided, single submitter. Criteria: ACMG Guidelines, 2015. Collection method: clinical testing. Allele origin: germline. Affected: no.

ARUP Laboratories, Molecular Genetics and Genomics, ARUP Laboratories
Classification: Uncertain significance. Last evaluated: 2018-03-20. Review status: criteria provided, single submitter. Criteria: ARUP Molecular Germline Variant Investigation Process. Collection method: clinical testing. Allele origin: germline.
Comment: The SLC22A5 c.1234A>C; p.Ser412Arg (rs1057518364) variant is not described in the medical literature but is reported as a variant of uncertain significance by one laboratory in ClinVar (Variation ID: 373347). It is absent from general population databases (1000 Genomes Project, Exome Variant Server, and Genome Aggregation Database), indicating it is not a common polymorphism. The serine at codon 412 is weakly conserved and computational algorithms (SIFT, PolyPhen2) predict that this variant is tolerated. Due to limited information regarding this variant, its clinical significance cannot be determined with certainty.

GeneDx
Classification: Uncertain significance. Last evaluated: 2016-11-14. Review status: criteria provided, single submitter. Criteria: GeneDx Variant Classification (06012015). Collection method: clinical testing. Allele origin: germline. Affected: yes.
Comment: The S412R variant has not been published as a pathogenic variant, nor has it been reported as a benign variant to our knowledge. The S412R variant was not observed in approximately 6500 individuals of European and African American ancestry in the NHLBI Exome Sequencing Project, indicating it is not a common benign variant in these populations. The S412R variant is a semi-conservative amino acid substitution, which may impact secondary protein structure as these residues differ in some properties. This substitution occurs at a position that is not conserved. In silico analysis predicts this variant likely does not alter the protein structure/function. In summary, based on the currently available information, it is unclear whether this variant is a pathogenic variant or a rare benign variant.